The following is an entry in ClinVar:

ClinVar aggregate classification (germline): Uncertain significance (1 of 4 stars; one submission).

Conditions:
Polycystic kidney disease 7 (PKD7). Identifiers: MedGen C5774222, MONDO:0031062, OMIM 620056.

Submission:

MVZ Medizinische Genetik Mainz
Classification: Uncertain significance for Polycystic kidney disease 7. Last evaluated: 2024-04-04. Review status: criteria provided, single submitter. Criteria: UK Practice Guidelines For Variant Classification V4 01 2020. Collection method: clinical testing. Allele origin: germline. Inheritance: Autosomal dominant inheritance. Affected: yes. Observed: 1 variant allele.
Comment: ACMG Criteria: PM2_SUP,PP4

NM_013338.5(ALG5):c.705G>C (p.Gln235His)

Gene: ALG5 (ALG5 dolichyl-phosphate beta-glucosyltransferase; minus strand). Cytogenetic location: 13q13.3.
Variant type: single nucleotide variant.
Coding change: c.705G>C on transcript NM_013338.5 (MANE Select); coding-DNA position 705, G replaced by C.
Protein change: p.Gln235His; replaces glutamine 235 with histidine.
Molecular consequence: missense variant.
Genome position (GRCh38, 1-based): chr13:36,965,643, C>G on the plus strand (G>C on the coding strand, the complement: ALG5 is on the minus strand). VCF-style: chr13-36965643-C-G. GRCh37 (hg19) VCF-style: chr13-37539780-C-G.
Other names: c.615G>C, p.Gln205His (NM_001142364.1); short protein forms Q205H, Q235H.
Identifiers: ClinVar variation 3256644 (VCV003256644.1).